The following is an entry in ClinVar:

NC_000001.10:g.(?_976533)_(990361_?)del

Gene: AGRN (agrin; plus strand). Cytogenetic location: 1p36.33.
Variant type: Deletion.
Identifiers: ClinVar variation 3247824 (VCV003247824.1).

ClinVar aggregate classification (germline): Pathogenic (1 of 4 stars; one submission).

Conditions:
Congenital myasthenic syndrome 8. Also called: MYASTHENIC SYNDROME, CONGENITAL, DUE TO AGRIN DEFICIENCY; Myasthenic syndrome, congenital, 8, with pre- and postsynaptic defects. Identifiers: Orphanet 590, MedGen C3808739, MONDO:0014052, OMIM 615120.

Submission:

Labcorp Genetics (formerly Invitae), Labcorp
Classification: Pathogenic for Congenital myasthenic syndrome 8. Last evaluated: 2023-01-10. Review status: criteria provided, single submitter. Criteria: Invitae Variant Classification Sherloc (09022015). Collection method: clinical testing. Allele origin: unknown.
Comment: For these reasons, this variant has been classified as Pathogenic. This variant disrupts a region of the AGRN protein in which other variant(s) (p.Val1727Phe) have been determined to be pathogenic (PMID: 22205389, 30994901, 33756069). This suggests that this is a clinically significant region of the protein, and that variants that disrupt it are likely to be disease-causing. This variant has not been reported in the literature in individuals affected with AGRN-related conditions. This variant is a gross deletion of the genomic region encompassing exon(s) 5-36 of the AGRN gene, which includes the termination codon. This deletion extends beyond the assayed region for this gene and therefore may encompass additional genes. While this deletion is not anticipated to lead to nonsense mediated decay, it is expected to alter mRNA translation or result in a truncated protein product.

Literature cited by the submitters: PubMed 22205389; PubMed 30994901; PubMed 33756069.